The following is an entry in ClinVar:

ClinVar aggregate classification (germline): Uncertain significance. Review status: criteria provided, multiple submitters, no conflicts (2 of 4 stars). 2 submissions from 2 submitters: Uncertain significance (2). Last evaluated 2025-10-07.

Conditions:
Hereditary cancer-predisposing syndrome. Also called: Neoplastic Syndromes, Hereditary; Tumor predisposition; Hereditary neoplastic syndrome; Hereditary Cancer Syndrome. Identifiers: Orphanet 140162, MedGen C0027672, MeSH D009386, MONDO:0015356.

Allele frequency attached by ClinVar (database versions not stated): gnomAD exomes 0.00001.
gnomAD v4.1: 3 of 1,610,812 alleles (0.00019%); highest among the groups gnomAD compares: Admixed American, 0.005%; no homozygotes.

Submissions (2):

Labcorp Genetics (formerly Invitae), Labcorp
Classification: Uncertain significance. Last evaluated: 2025-10-07. Review status: criteria provided, single submitter. Criteria: Invitae Variant Classification Sherloc (09022015). Collection method: clinical testing. Allele origin: germline.
Comment: This sequence change replaces arginine, which is basic and polar, with histidine, which is basic and polar, at codon 214 of the HOXB13 protein (p.Arg214His). This variant is present in population databases (no rsID available, gnomAD 0.006%). This variant has not been reported in the literature in individuals affected with HOXB13-related conditions. ClinVar contains an entry for this variant (Variation ID: 826391). An algorithm developed to predict the effect of missense changes on protein structure and function outputs the following: PolyPhen-2: "Benign". The histidine amino acid residue is found in multiple mammalian species, which suggests that this missense change does not adversely affect protein function. In summary, the available evidence is currently insufficient to determine the role of this variant in disease. Therefore, it has been classified as a Variant of Uncertain Significance.

Ambry Genetics
Classification: Uncertain significance for Hereditary cancer-predisposing syndrome. Last evaluated: 2024-07-15. Review status: criteria provided, single submitter. Criteria: Ambry Variant Classification Scheme 2023. Collection method: clinical testing. Allele origin: germline.
Comment: The p.R214H variant (also known as c.641G>A), located in coding exon 2 of the HOXB13 gene, results from a G to A substitution at nucleotide position 641. The arginine at codon 214 is replaced by histidine, an amino acid with highly similar properties. This amino acid position is well conserved in available vertebrate species. In addition, the in silico prediction for this alteration is inconclusive. Since supporting evidence is limited at this time, the clinical significance of this alteration remains unclear.

NM_006361.6(HOXB13):c.641G>A (p.Arg214His)

Gene: HOXB13 (homeobox B13; minus strand). Cytogenetic location: 17q21.32.
Variant type: single nucleotide variant.
Coding change: c.641G>A on transcript NM_006361.6 (MANE Select); coding-DNA position 641, G replaced by A.
Protein change: p.Arg214His; replaces arginine 214 with histidine.
Molecular consequence: missense variant.
Genome position (GRCh38, 1-based): chr17:48,727,004, C>T on the plus strand (G>A on the coding strand, the complement: HOXB13 is on the minus strand). VCF-style: chr17-48727004-C-T. GRCh37 (hg19) VCF-style: chr17-46804366-C-T.
Other names: short protein forms R214H.
Identifiers: ClinVar variation 826391 (VCV000826391.11), dbSNP rs1466480316, ClinGen allele CA400106917.